The following is an entry in ClinVar:

ClinVar aggregate classification (germline): Likely benign. Review status: criteria provided, multiple submitters, no conflicts (2 of 4 stars). 3 submissions from 3 submitters: Likely benign (3). Last evaluated 2024-12-20.

Conditions:
HYDIN-related disorder. Also called: HYDIN-related condition.

Allele frequency attached by ClinVar (database versions not stated): TOPMed 0.00020; ESP Exome Variant Server 0.00023; gnomAD 0.00027; ExAC 0.00030.
gnomAD v4.1: 389 of 1,613,962 alleles (0.024%); highest among the groups gnomAD compares: Non-Finnish European, 0.023%; no homozygotes.

Submissions (3):

PreventionGenetics, part of Exact Sciences
Classification: Likely benign for HYDIN-related condition. Last evaluated: 2024-12-20. Review status: criteria provided, single submitter. Criteria: ACMG Guidelines, 2015. Collection method: clinical testing. Allele origin: germline.
Comment: This variant is classified as likely benign based on ACMG/AMP sequence variant interpretation guidelines (Richards et al. 2015 PMID: 25741868, with internal and published modifications).

Blueprint Genetics
Classification: Likely benign. Last evaluated: 2024-10-08. Review status: criteria provided, single submitter. Criteria: ACMG Guidelines, 2015. Collection method: clinical testing. Allele origin: germline.

CeGaT Center for Human Genetics Tuebingen
Classification: Likely benign. Last evaluated: 2024-06-01. Review status: criteria provided, single submitter. Criteria: CeGaT Center For Human Genetics Tuebingen Variant Classification Criteria Version 2. Collection method: clinical testing. Allele origin: germline. Affected: yes. Observed: 3 variant alleles.
Comment: HYDIN: BP4, BP7

NM_001270974.2(HYDIN):c.441C>T (p.Pro147=)

Gene: HYDIN (HYDIN axonemal central pair apparatus protein; minus strand). Cytogenetic location: 16q22.2.
Variant type: single nucleotide variant.
Coding change: c.441C>T on transcript NM_001270974.2 (MANE Select); coding-DNA position 441, C replaced by T.
Protein change: p.Pro147=; no amino-acid change (proline 147 retained).
Molecular consequence: synonymous variant.
Genome position (GRCh38, 1-based): chr16:71,175,682, G>A on the plus strand (C>T on the coding strand, the complement: HYDIN is on the minus strand). VCF-style: chr16-71175682-G-A. GRCh37 (hg19) VCF-style: chr16-71209585-G-A.
Other names: c.522C>T, p.Pro174= (NM_001198542.1); c.492C>T, p.Pro164= (NM_001198543.1); c.441C>T, p.Pro147= (NM_017558.5).
Identifiers: ClinVar variation 2646796 (VCV002646796.26), dbSNP rs372896009, ClinGen allele CA8151571.
Genomic context (GRCh38, chr16:71,175,682, plus strand): 5'-AGTAAAGAGGATTCGGAATATGGAAGGCACTCCAGGAGCCACTTTGTGGCCAATATCTTT[G>A]GGGCTGATTACTTTAAAGTAAGGCGAACTTTCTTCCACAACTTTCACCAACCTTGGAATC-3'
Protein context (NP_001257903.1, residues 137-157): ESSPYFKVIS[Pro147=]KDIGHKVAPG